The following is an entry in ClinVar:

ClinVar aggregate classification (germline): Likely pathogenic (1 of 4 stars; one submission).

Conditions:
Blepharophimosis, ptosis, and epicanthus inversus syndrome. Identifiers: Orphanet 126, MedGen C0220663, MONDO:0007201, OMIM 110100.

Submission:

OLLIN Analises Genomicas, OLLIN
Classification: Likely pathogenic for Blepharophimosis, ptosis, and epicanthus inversus syndrome. Last evaluated: 2026-08-06. Review status: criteria provided, single submitter. Criteria: ACMG Guidelines 2015 PMID 25741868. Collection method: clinical testing. Allele origin: germline. Inheritance: Autosomal dominant inheritance.
Comment: This frameshift variant, located in exon 1 (of 1), is absent from gnomAD and ClinVar and has not been identified in the literature. This variant causes a frameshift and introduces a premature stop codon, which is predicted to result in either a truncated protein or degradation of the mRNA via nonsense-mediated decay (NMD). According to the currently available evidence, this variant has been classified as likely pathogenic (PVS1_S, PM2_P, PP4).

NM_023067.4(FOXL2):c.1099_1102del (p.Thr367fs)

Gene: FOXL2 (forkhead box L2; minus strand). Cytogenetic location: 3q22.3.
Variant type: Deletion.
Coding change: c.1099_1102del on transcript NM_023067.4 (MANE Select); coding-DNA positions 1099 to 1102, 4 bases deleted (ACCG; older notation c.1099_1102delACCG).
Protein change: p.Thr367fs; shifts the reading frame from threonine 367.
Molecular consequence: frameshift variant.
Genome position (GRCh38, 1-based): chr3:138,945,621-138,945,624, CGGT deleted on the plus strand (ACCG on the coding strand, the reverse complement: FOXL2 is on the minus strand); deleting any 4 consecutive bases within chr3:138,945,621-138,945,625 gives the same sequence; the c. name uses the placement nearest the transcript's 3' end. VCF-style (leftmost placement, unchanged base first): chr3-138945620-CCGGT-C. GRCh37 (hg19) VCF-style: chr3-138664462-CCGGT-C.
Other names: short protein forms T367fs.
Identifiers: ClinVar variation 5002887 (VCV005002887.1).